The following is an entry in ClinVar:

ClinVar aggregate classification (germline): Conflicting classifications of pathogenicity. Review status: criteria provided, conflicting classifications (1 of 4 stars). 3 submissions from 3 submitters: Uncertain significance (1); Benign (1); Likely benign (1). Last evaluated 2025-12-22.

Conditions:
Familial thoracic aortic aneurysm and aortic dissection (TAAD). Also called: Thoracic aortic aneurysms and dissections. Identifiers: Orphanet 91387, MedGen C4707243, MONDO:0019625.
Adams-Oliver syndrome 5 (AOS5). Identifiers: Orphanet 974, MedGen C4014970, MONDO:0014459, OMIM 616028.

Allele frequency attached by ClinVar (database versions not stated): ExAC 0.00001; gnomAD exomes 0.00001 and 0.00002; TOPMed 0.00002.

Submissions (3):

Labcorp Genetics (formerly Invitae), Labcorp
Classification: Benign for Adams-Oliver syndrome 5. Last evaluated: 2025-12-22. Review status: criteria provided, single submitter. Criteria: Invitae Variant Classification Sherloc (09022015). Collection method: clinical testing. Allele origin: germline.

Ambry Genetics
Classification: Likely benign for Familial thoracic aortic aneurysm and aortic dissection. Last evaluated: 2024-06-10. Review status: criteria provided, single submitter. Criteria: Ambry Variant Classification Scheme 2023. Collection method: clinical testing. Allele origin: germline.

GeneDx
Classification: Uncertain significance. Last evaluated: 2021-02-03. Review status: criteria provided, single submitter. Criteria: GeneDx Variant Classification Process June 2021. Collection method: clinical testing. Allele origin: germline. Affected: yes.
Comment: Observed in an individual with spontaneous coronary artery dissection (Antonutti et al., 2020); Not observed at a significant frequency in large population cohorts (Lek et al., 2016); In silico analysis supports that this missense variant does not alter protein structure/function; This variant is associated with the following publications: (PMID: 33190788)

NM_017617.5(NOTCH1):c.2482G>A (p.Val828Met)

Gene: NOTCH1 (notch receptor 1; minus strand). Cytogenetic location: 9q34.3.
Variant type: single nucleotide variant.
Coding change: c.2482G>A on transcript NM_017617.5 (MANE Select); coding-DNA position 2482, G replaced by A.
Protein change: p.Val828Met; replaces valine 828 with methionine.
Molecular consequence: missense variant.
Genome position (GRCh38, 1-based): chr9:136,511,257, C>T on the plus strand (G>A on the coding strand, the complement: NOTCH1 is on the minus strand). VCF-style: chr9-136511257-C-T. GRCh37 (hg19) VCF-style: chr9-139405709-C-T.
Other names: short protein forms V828M.
Identifiers: ClinVar variation 1186653 (VCV001186653.6), dbSNP rs772945824, ClinGen allele CA5341293.
Genomic context (GRCh38, chr9:136,511,257, plus strand): 5'-CGGATTGCCTGCACTCCCCGCCGTTTCTGCAGGGGCTGGGGGCACACGGGGCCAGCACCA[C>T]CTCACACGTGGCACCTGCGGGAAGGAGACACACGTGACCCCGGGAGCCTCACCCAGAGGG-3'
Protein context (NP_060087.3, residues 818-838): LLPYTGATCE[Val828Met]VLAPCAPSPC